The following is an entry in ClinVar:

NM_012310.5(KIF4A):c.1114A>C (p.Thr372Pro)

Gene: KIF4A (kinesin family member 4A; plus strand). Cytogenetic location: Xq13.1.
Variant type: single nucleotide variant.
Coding change: c.1114A>C on transcript NM_012310.5 (MANE Select); coding-DNA position 1114, A replaced by C.
Protein change: p.Thr372Pro; replaces threonine 372 with proline.
Molecular consequence: missense variant.
Genome position (GRCh38, 1-based): chrX:70,333,670, A>C. VCF-style: chrX-70333670-A-C. GRCh37 (hg19) VCF-style: chrX-69553520-A-C.
Other names: short protein forms T372P.
Identifiers: ClinVar variation 2573944 (VCV002573944.1), dbSNP rs2519650402, ClinGen allele CA413465233.
Genomic context (GRCh38, chrX:70,333,670, plus strand): 5'-TTTCTTTGCTTCTCCCAGGTACAACAGCTACAAGTCTTGTTGCTACAGGCCCATGGAGGT[A>C]CCCTGCCTGGATCTATAACGTAAGAGTCATAGATTAATTTGAATTGTGTATTCTAATAGA-3'
Protein context (NP_036442.3, residues 362-382): QVLLLQAHGG[Thr372Pro]LPGSITVEPS

ClinVar aggregate classification (germline): Uncertain significance (1 of 4 stars; one submission).

Submission:

GeneDx
Classification: Uncertain significance. Last evaluated: 2023-01-18. Review status: criteria provided, single submitter. Criteria: GeneDx Variant Classification Process June 2021. Collection method: clinical testing. Allele origin: germline. Affected: yes.
Comment: Not observed at significant frequency in large population cohorts (gnomAD); Has not been previously published as pathogenic or benign to our knowledge; In silico analysis supports that this missense variant does not alter protein structure/function; In silico analysis is inconclusive as to whether the variant alters gene splicing. In the absence of RNA/functional studies, the actual effect of this sequence change is unknown.